The following is an entry in ClinVar:

ClinVar aggregate classification (germline): Pathogenic (1 of 4 stars; one submission).

Conditions:
Hereditary breast ovarian cancer syndrome. Also called: Breast and ovarian cancer; Hereditary breast and ovarian cancer; Hereditary breast and/or ovarian cancer syndrome; BRCA1- and BRCA2-Associated Hereditary Breast and Ovarian Cancer; Hereditary breast and ovarian cancer syndrome (HBOC); Hereditary breast and ovarian cancer syndrome. Identifiers: Orphanet 145, MedGen C0677776, MeSH D061325, MONDO:0003582. Disease mechanism: loss of function.

Submission:

Labcorp Genetics (formerly Invitae), Labcorp
Classification: Pathogenic for Hereditary breast ovarian cancer syndrome. Last evaluated: 2016-07-25. Review status: criteria provided, single submitter. Criteria: Invitae Variant Classification Sherloc (09022015). Collection method: clinical testing. Allele origin: germline.
Comment: This variant is a gross deletion of the genomic region encompassing exons 19-23 (aka exons 20-24) of the BRCA1 gene. The 5' boundary is likely confined to intron 18. The 3' end of this event is unknown as it extends through the termination codon beyond the assayed region for this gene and may encompass additional genes. While this deletion is not anticipated to result in nonsense mediated decay, it is expected to create a truncated BRCA1 protein. While this particular variant has not been reported in the literature, truncating variants in BRCA1 are known to be pathogenic (PMID: 20104584). This deletion is expected to partially remove the C-terminal BRCT domain of the BRCA1 protein, which is important for DNA repair activity (PMID: 14576433, 15133503). A different deleterious variant (p.Tyr1853*) within the deleted sequence of this variant has been shown to disrupt BRCA1 protein function (PMID: 8942979, 20681793, 10811118, 11256609, 17308087), suggesting that although this particular variant may not result in nonsense mediated decay, it is expected to affect BRCA1 protein function. For these reasons, this variant has been classified as Pathogenic.

NC_000017.11:g.(?_43044295)_(43057135_?)del

Gene: BRCA1 (BRCA1 DNA repair associated; minus strand). Cytogenetic location: 17q21.31.
Variant type: Deletion.
Identifiers: ClinVar variation 417594 (VCV000417594.1).